The following is an entry in ClinVar:

NM_144991.3(TSPEAR):c.1515G>A (p.Ser505=)

Gene: TSPEAR (thrombospondin type laminin G domain and EAR repeats; minus strand). Cytogenetic location: 21q22.3.
Variant type: single nucleotide variant.
Coding change: c.1515G>A on transcript NM_144991.3 (MANE Select); coding-DNA position 1515, G replaced by A.
Protein change: p.Ser505=; no amino-acid change (serine 505 retained).
Molecular consequence: synonymous variant.
Genome position (GRCh38, 1-based): chr21:44,521,934, C>T on the plus strand (G>A on the coding strand, the complement: TSPEAR is on the minus strand). VCF-style: chr21-44521934-C-T. GRCh37 (hg19) VCF-style: chr21-45941817-C-T.
Other names: c.1311G>A, p.Ser437= (NM_001272037.2).
Identifiers: ClinVar variation 228046 (VCV000228046.20), dbSNP rs150444121, ClinGen allele CA10056551.

ClinVar aggregate classification (germline): Likely benign. Review status: criteria provided, multiple submitters, no conflicts (2 of 4 stars). 6 submissions from 6 submitters: Likely benign (5). 1 of the submissions does not count toward it. Last evaluated 2025-11-22.

Conditions:
TSPEAR-related disorder. Also called: TSPEAR-related condition.
Ectodermal dysplasia 14, hair/tooth type with or without hypohidrosis. Identifiers: Orphanet 685067, MedGen C4748560, MONDO:0032584, OMIM 618180.
Autosomal recessive nonsyndromic hearing loss 98. Also called: Deafness, autosomal recessive 98. Identifiers: Orphanet 90636, MedGen C3553932, MONDO:0013929, OMIM 614861.

Allele frequency attached by ClinVar (database versions not stated): 1000 Genomes Project 30x 0.00016; 1000 Genomes Project 0.00020; TOPMed 0.00059; ESP Exome Variant Server 0.00062; gnomAD 0.00074 and 0.00076.
gnomAD v4.1: 1,879 of 1,614,030 alleles (0.12%); highest among the groups gnomAD compares: Non-Finnish European, 0.15%; 3 homozygotes.

Submissions (6):

Labcorp Genetics (formerly Invitae), Labcorp
Classification: Likely benign. Last evaluated: 2025-11-22. Review status: criteria provided, single submitter. Criteria: Invitae Variant Classification Sherloc (09022015). Collection method: clinical testing. Allele origin: germline.

Blueprint Genetics
Classification: Likely benign. Last evaluated: 2024-10-08. Review status: criteria provided, single submitter. Criteria: ACMG Guidelines, 2015. Collection method: clinical testing. Allele origin: germline.

Fulgent Genetics
Classification: Likely benign for Autosomal recessive nonsyndromic hearing loss 98; Ectodermal dysplasia 14, hair/tooth type with or without hypohidrosis. Last evaluated: 2022-04-27. Review status: criteria provided, single submitter. Criteria: ACMG Guidelines, 2015. Collection method: clinical testing. Allele origin: unknown.

GeneDx
Classification: Likely benign. Last evaluated: 2020-11-19. Review status: criteria provided, single submitter. Criteria: GeneDx Variant Classification Process June 2021. Collection method: clinical testing. Allele origin: germline. Affected: yes.

Laboratory for Molecular Medicine, Mass General Brigham Personalized Medicine
Classification: Likely benign. Last evaluated: 2017-08-03. Review status: criteria provided, single submitter. Criteria: LMM Criteria. Collection method: clinical testing. Allele origin: germline. Observed: 2 variant alleles.
Comment: p.Ser505Ser in exon 9 of TSPEAR: This variant is not expected to have clinical s ignificance because it does not alter an amino acid residue and is not located w ithin the splice consensus sequence. It has been identified in 0.15% (190/126650 ) of European chromosomes by the Genome Aggregation Database (gnomAD; dbSNP rs150444121).

PreventionGenetics, part of Exact Sciences
Classification: Likely benign for TSPEAR-related condition. Last evaluated: 2019-07-18. Review status: no assertion criteria provided. Collection method: clinical testing. Allele origin: germline. Not counted in ClinVar's aggregate classification.
Comment: This variant is classified as likely benign based on ACMG/AMP sequence variant interpretation guidelines (Richards et al. 2015 PMID: 25741868, with internal and published modifications).